The following is an entry in ClinVar:

NM_003322.6(TULP1):c.824A>G (p.Lys275Arg)

Gene: TULP1 (TUB like protein 1; minus strand). Cytogenetic location: 6p21.31.
Variant type: single nucleotide variant.
Coding change: c.824A>G on transcript NM_003322.6 (MANE Select); coding-DNA position 824, A replaced by G.
Protein change: p.Lys275Arg; replaces lysine 275 with arginine.
Molecular consequence: missense variant.
Genome position (GRCh38, 1-based): chr6:35,506,278, T>C on the plus strand (A>G on the coding strand, the complement: TULP1 is on the minus strand). VCF-style: chr6-35506278-T-C. GRCh37 (hg19) VCF-style: chr6-35474055-T-C.
Other names: c.665A>G, p.Lys222Arg (NM_001289395.2); short protein forms K222R, K275R.
Identifiers: ClinVar variation 1024653 (VCV001024653.8), dbSNP rs1254465195, ClinGen allele CA363780597.
Genomic context (GRCh38, chr6:35,506,278, plus strand): 5'-CCCGCTCCCAGCAGGTCCCAGTGCTGAGACACGGGCAGCCCGGCAGGACAACTCACCGCT[T>C]TCTGTGTGCGGAGAGAACAGAGAGGCTGGCTAGAGCAGGGGCCGCATCCCTGGAGGCGGG-3'
Protein context (NP_003313.3, residues 265-285): KGKAKGKGKK[Lys275Arg]AKEERAPSPP

ClinVar aggregate classification (germline): Uncertain significance. Review status: criteria provided, multiple submitters, no conflicts (2 of 4 stars). 2 submissions from 2 submitters: Uncertain significance (2). Last evaluated 2024-06-27.

Allele frequency attached by ClinVar (database versions not stated): gnomAD exomes 0.00001 and 0.00002; TOPMed 0.00001; gnomAD 0.00002.
gnomAD v4.1: 16 of 1,578,218 alleles (0.001%); highest among the groups gnomAD compares: Non-Finnish European, 0.0014%; no homozygotes.

Submissions (2):

Blueprint Genetics
Classification: Uncertain significance. Last evaluated: 2024-06-27. Review status: criteria provided, single submitter. Criteria: ACMG Guidelines, 2015. Collection method: clinical testing. Allele origin: germline.

Labcorp Genetics (formerly Invitae), Labcorp
Classification: Uncertain significance. Last evaluated: 2022-07-20. Review status: criteria provided, single submitter. Criteria: Invitae Variant Classification Sherloc (09022015). Collection method: clinical testing. Allele origin: germline.
Comment: This sequence change replaces lysine, which is basic and polar, with arginine, which is basic and polar, at codon 275 of the TULP1 protein (p.Lys275Arg). This variant is present in population databases (no rsID available, gnomAD 0.001%). This variant has not been reported in the literature in individuals affected with TULP1-related conditions. ClinVar contains an entry for this variant (Variation ID: 1024653). Algorithms developed to predict the effect of missense changes on protein structure and function output the following: SIFT: "Not Available"; PolyPhen-2: "Benign"; Align-GVGD: "Not Available". The arginine amino acid residue is found in multiple mammalian species, which suggests that this missense change does not adversely affect protein function. In summary, the available evidence is currently insufficient to determine the role of this variant in disease. Therefore, it has been classified as a Variant of Uncertain Significance.